The following is an entry in ClinVar:

ClinVar aggregate classification (germline): Uncertain significance (1 of 4 stars; one submission).

Conditions:
Glycogen storage disease type III (GSD3). Also called: FORBES DISEASE; Cori disease. Identifiers: Orphanet 366, MedGen C0017922, MONDO:0009291, OMIM 232400.

Allele frequency attached by ClinVar (database versions not stated): ExAC 0.00001.
gnomAD v4.1: 1 of 1,613,930 alleles (0.000062%); highest among the groups gnomAD compares: Admixed American, 0.0017%; no homozygotes.

Submission:

Labcorp Genetics (formerly Invitae), Labcorp
Classification: Uncertain significance for Glycogen storage disease type III. Last evaluated: 2022-04-20. Review status: criteria provided, single submitter. Criteria: Invitae Variant Classification Sherloc (09022015). Collection method: clinical testing. Allele origin: germline.
Comment: This variant has not been reported in the literature in individuals affected with AGL-related conditions. This sequence change replaces glycine, which is neutral and non-polar, with arginine, which is basic and polar, at codon 877 of the AGL protein (p.Gly877Arg). The frequency data for this variant in the population databases is considered unreliable, as metrics indicate poor data quality at this position in the gnomAD database. Algorithms developed to predict the effect of missense changes on protein structure and function are either unavailable or do not agree on the potential impact of this missense change (SIFT: "Deleterious"; PolyPhen-2: "Benign"; Align-GVGD: "Class C0"). In summary, the available evidence is currently insufficient to determine the role of this variant in disease. Therefore, it has been classified as a Variant of Uncertain Significance.

NM_000642.3(AGL):c.2629G>C (p.Gly877Arg)

Gene: AGL (amylo-alpha-1,6-glucosidase and 4-alpha-glucanotransferase; plus strand). Cytogenetic location: 1p21.2.
Variant type: single nucleotide variant.
Coding change: c.2629G>C on transcript NM_000642.3 (MANE Select); coding-DNA position 2629, G replaced by C.
Protein change: p.Gly877Arg; replaces glycine 877 with arginine.
Molecular consequence: missense variant.
Genome position (GRCh38, 1-based): chr1:99,884,651, G>C. VCF-style: chr1-99884651-G-C. GRCh37 (hg19) VCF-style: chr1-100350207-G-C.
Other names: c.2629G>C, p.Gly877Arg (NM_000028.3, NM_000643.3, NM_000644.3 and 2 more transcripts); c.2581G>C, p.Gly861Arg (NM_000646.3); c.2428G>C, p.Gly810Arg (NM_001425327.1); c.2425G>C, p.Gly809Arg (NM_001425328.1); c.2251G>C, p.Gly751Arg (NM_001425332.1); short protein forms G861R, G877R, G751R, G809R, G810R.
Identifiers: ClinVar variation 2117579 (VCV002117579.4), dbSNP rs756676389, ClinGen allele CA966843.